The following is an entry in ClinVar:

ClinVar aggregate classification (germline): Benign (1 of 4 stars; one submission).

Conditions:
Focal segmental glomerulosclerosis 3, susceptibility to (FSGS3). Identifiers: Orphanet 656, MedGen C1842982, MONDO:0011917, OMIM 607832.

Allele frequency attached by ClinVar (database versions not stated): 1000 Genomes Project 0.17792; gnomAD 0.18905 and 0.19036.

Submission:

Illumina Laboratory Services, Illumina
Classification: Benign for Focal segmental glomerulosclerosis 3, susceptibility to. Last evaluated: 2018-01-13. Review status: criteria provided, single submitter. Criteria: ICSL Variant Classification Criteria 13 December 2019. Collection method: clinical testing. Allele origin: germline.
Comment: This variant was observed in the ICSL laboratory as part of a predisposition screen in an ostensibly healthy population. It had not been previously curated by ICSL or reported in the Human Gene Mutation Database (HGMD: prior to June 1st, 2018), and was therefore a candidate for classification through an automated scoring system. Utilizing variant allele frequency, disease prevalence and penetrance estimates, and inheritance mode, an automated score was calculated to assess if this variant is too frequent to cause the disease. Based on the score and internal cut-off values, a variant classified as benign is not then subjected to further curation. The score for this variant resulted in a classification of benign for this disease.

NM_012120.3(CD2AP):c.*500A>G

Gene: CD2AP (CD2 associated protein; plus strand). Cytogenetic location: 6p12.3.
Variant type: single nucleotide variant.
Coding change: c.*500A>G on transcript NM_012120.3 (MANE Select); 500 bases downstream of the stop codon, A replaced by G.
Molecular consequence: 3 prime UTR variant.
Genome position (GRCh38, 1-based): chr6:47,624,727, A>G. VCF-style: chr6-47624727-A-G. GRCh37 (hg19) VCF-style: chr6-47592463-A-G.
Identifiers: ClinVar variation 357210 (VCV000357210.5), dbSNP rs35361796, ClinGen allele CA10622312.